The following is an entry in ClinVar:

ClinVar aggregate classification (germline): Likely benign. Review status: criteria provided, single submitter (1 of 4 stars). 2 submissions from 2 submitters: Likely benign (1). 1 of the submissions does not count toward it. Last evaluated 2024-07-12.

Conditions:
PKD1-related disorder. Also called: PKD1-related condition.

Allele frequency attached by ClinVar (database versions not stated): gnomAD exomes 0.00004; gnomAD 0.00006; TOPMed 0.00010; ExAC 0.00013; 1000 Genomes Project 30x 0.00016; 1000 Genomes Project 0.00020.
gnomAD v4.1: 75 of 1,601,332 alleles (0.0047%); highest among the groups gnomAD compares: East Asian, 0.087%; no homozygotes.

Submissions (2):

Blueprint Genetics
Classification: Likely benign. Last evaluated: 2024-07-12. Review status: criteria provided, single submitter. Criteria: ACMG Guidelines, 2015. Collection method: clinical testing. Allele origin: germline.

PreventionGenetics, part of Exact Sciences
Classification: Likely benign for PKD1-related condition. Last evaluated: 2023-10-25. Review status: no assertion criteria provided. Collection method: clinical testing. Allele origin: germline. Not counted in ClinVar's aggregate classification.
Comment: This variant is classified as likely benign based on ACMG/AMP sequence variant interpretation guidelines (Richards et al. 2015 PMID: 25741868, with internal and published modifications).

NM_001009944.3(PKD1):c.3003C>T (p.His1001=)

Gene: PKD1 (polycystin 1, transient receptor potential channel interacting; minus strand). Cytogenetic location: 16p13.3.
Variant type: single nucleotide variant.
Coding change: c.3003C>T on transcript NM_001009944.3 (MANE Select); coding-DNA position 3003, C replaced by T.
Protein change: p.His1001=; no amino-acid change (histidine 1001 retained).
Molecular consequence: synonymous variant.
Genome position (GRCh38, 1-based): chr16:2,112,946, G>A on the plus strand (C>T on the coding strand, the complement: PKD1 is on the minus strand). VCF-style: chr16-2112946-G-A. GRCh37 (hg19) VCF-style: chr16-2162947-G-A.
Other names: c.3003C>T, p.His1001= (NM_000296.4).
Identifiers: ClinVar variation 3030380 (VCV003030380.3), dbSNP rs573141367, ClinGen allele CA7832993.